The following is an entry in ClinVar:

NM_000326.5(RLBP1):c.795G>A (p.Arg265=)

Gene: RLBP1 (retinaldehyde binding protein 1; minus strand). Cytogenetic location: 15q26.1.
Variant type: single nucleotide variant.
Coding change: c.795G>A on transcript NM_000326.5 (MANE Select); coding-DNA position 795, G replaced by A.
Protein change: p.Arg265=; no amino-acid change (arginine 265 retained).
Molecular consequence: synonymous variant.
Genome position (GRCh38, 1-based): chr15:89,210,699, C>T on the plus strand (G>A on the coding strand, the complement: RLBP1 is on the minus strand). VCF-style: chr15-89210699-C-T. GRCh37 (hg19) VCF-style: chr15-89753930-C-T.
Identifiers: ClinVar variation 1375043 (VCV001375043.6), dbSNP rs2150968671, ClinGen allele CA492075052.

ClinVar aggregate classification (germline): Uncertain significance (1 of 4 stars; one submission).

Submission:

Labcorp Genetics (formerly Invitae), Labcorp
Classification: Uncertain significance. Last evaluated: 2022-10-17. Review status: criteria provided, single submitter. Criteria: Invitae Variant Classification Sherloc (09022015). Collection method: clinical testing. Allele origin: germline.
Comment: In summary, the available evidence is currently insufficient to determine the role of this variant in disease. Therefore, it has been classified as a Variant of Uncertain Significance. Variants that disrupt the consensus splice site are a relatively common cause of aberrant splicing (PMID: 17576681, 9536098). Algorithms developed to predict the effect of sequence changes on RNA splicing suggest that this variant may create or strengthen a splice site. ClinVar contains an entry for this variant (Variation ID: 1375043). This variant has not been reported in the literature in individuals affected with RLBP1-related conditions. This variant is not present in population databases (gnomAD no frequency). This sequence change affects codon 265 of the RLBP1 mRNA. It is a 'silent' change, meaning that it does not change the encoded amino acid sequence of the RLBP1 protein. This variant also falls at the last nucleotide of exon 8, which is part of the consensus splice site for this exon.

Literature cited by the submitters: PubMed 17576681; PubMed 9536098.